The following is an entry in ClinVar:

NM_001244008.2(KIF1A):c.4666-17G>A

Gene: KIF1A (kinesin family member 1A; minus strand). Cytogenetic location: 2q37.3.
Variant type: single nucleotide variant.
Coding change: c.4666-17G>A on transcript NM_001244008.2 (MANE Select); 17 bases into the intron before coding-DNA position 4666, G replaced by A.
Molecular consequence: intron variant.
Genome position (GRCh38, 1-based): chr2:240,721,901, C>T on the plus strand (G>A on the coding strand, the complement: KIF1A is on the minus strand). VCF-style: chr2-240721901-C-T. GRCh37 (hg19) VCF-style: chr2-241661318-C-T.
Other names: c.4363-17G>A (NM_001379653.1, NM_001379650.1, NM_001379641.1 and 2 more transcripts); c.4639-17G>A (NM_001379645.1, NM_001379633.1); c.4489-17G>A (NM_001379635.1, NM_001379646.1); c.4360-17G>A (NM_001379640.1); c.4387-17G>A (NM_001379639.1); c.4390-17G>A (NM_001379649.1, NM_001320705.2); c.4477-17G>A (NM_001379636.1); c.4642-17G>A (NM_001379632.1); and 7 more.
Identifiers: ClinVar variation 669315 (VCV000669315.10), dbSNP rs372562861, ClinGen allele CA2207354.

ClinVar aggregate classification (germline): Likely benign. Review status: criteria provided, multiple submitters, no conflicts (2 of 4 stars). 3 submissions from 3 submitters: Likely benign (3). Last evaluated 2025-10-20.

Conditions:
Neuropathy, hereditary sensory, type 2C. Also called: KIF1A-Related HSAN2 (HSAN2C); Hereditary sensory and autonomic neuropathy type IIC. Identifiers: Orphanet 970, MedGen C3280168, MONDO:0013634, OMIM 614213.
Intellectual disability, autosomal dominant 9 (NESCAVS). Also called: NESCAV SYNDROME; KIF1A-Related Neurodevelopmental Disorder. Identifiers: Orphanet 662367, MedGen C5393830, MONDO:0013656, OMIM 614255.
Hereditary spastic paraplegia 30. Identifiers: Orphanet 101010, MedGen C5235139, MONDO:0012476.

Allele frequency attached by ClinVar (database versions not stated): gnomAD exomes 0.00004; ESP Exome Variant Server 0.00008; TOPMed 0.00008; ExAC 0.00009; gnomAD 0.00013 and 0.00015.
gnomAD v4.1: 147 of 1,594,538 alleles (0.0092%); highest among the groups gnomAD compares: South Asian, 0.017%; no homozygotes.

Submissions (3):

Labcorp Genetics (formerly Invitae), Labcorp
Classification: Likely benign for Hereditary spastic paraplegia 30; Neuropathy, hereditary sensory, type 2C; Intellectual disability, autosomal dominant 9. Last evaluated: 2025-10-20. Review status: criteria provided, single submitter. Criteria: Invitae Variant Classification Sherloc (09022015). Collection method: clinical testing. Allele origin: germline.

Blueprint Genetics
Classification: Likely benign. Last evaluated: 2024-09-17. Review status: criteria provided, single submitter. Criteria: ACMG Guidelines, 2015. Collection method: clinical testing. Allele origin: germline.

GeneDx
Classification: Likely benign. Last evaluated: 2018-06-06. Review status: criteria provided, single submitter. Criteria: GeneDx Variant Classification (06012015). Collection method: clinical testing. Allele origin: germline. Affected: yes.
Comment: This variant is considered likely benign or benign based on one or more of the following criteria: it is a conservative change, it occurs at a poorly conserved position in the protein, it is predicted to be benign by multiple in silico algorithms, and/or has population frequency not consistent with disease.